The following is an entry in ClinVar:

ClinVar aggregate classification (germline): Uncertain significance. Review status: criteria provided, multiple submitters, no conflicts (2 of 4 stars). 2 submissions from 2 submitters: Uncertain significance (2). Last evaluated 2025-10-22.

Conditions:
Colorectal cancer, hereditary nonpolyposis, type 7. Identifiers: Orphanet 144, MedGen C1858380, MONDO:0013725, OMIM 614385.

gnomAD v4.1: 5 of 1,613,982 alleles (0.00031%); highest among the groups gnomAD compares: Admixed American, 0.0017%; no homozygotes.

Submissions (2):

Ambry Genetics
Classification: Uncertain significance. Last evaluated: 2025-10-22. Review status: criteria provided, single submitter. Criteria: Ambry Variant Classification Scheme 2023. Collection method: clinical testing. Allele origin: germline.

Labcorp Genetics (formerly Invitae), Labcorp
Classification: Uncertain significance for Colorectal cancer, hereditary nonpolyposis, type 7. Last evaluated: 2024-11-13. Review status: criteria provided, single submitter. Criteria: Invitae Variant Classification Sherloc (09022015). Collection method: clinical testing. Allele origin: germline.
Comment: This sequence change replaces glycine, which is neutral and non-polar, with arginine, which is basic and polar, at codon 1396 of the MLH3 protein (p.Gly1396Arg). This variant is present in population databases (rs368876363, gnomAD 0.003%). This variant has not been reported in the literature in individuals affected with MLH3-related conditions. An algorithm developed to predict the effect of missense changes on protein structure and function (PolyPhen-2) suggests that this variant is likely to be disruptive. In summary, the available evidence is currently insufficient to determine the role of this variant in disease. Therefore, it has been classified as a Variant of Uncertain Significance.

NM_001040108.2(MLH3):c.4186G>A (p.Gly1396Arg)

Gene: MLH3 (mutL homolog 3; minus strand). Cytogenetic location: 14q24.3.
Variant type: single nucleotide variant.
Coding change: c.4186G>A on transcript NM_001040108.2 (MANE Select); coding-DNA position 4186, G replaced by A.
Protein change: p.Gly1396Arg; replaces glycine 1396 with arginine.
Molecular consequence: missense variant.
Genome position (GRCh38, 1-based): chr14:75,018,885, C>T on the plus strand (G>A on the coding strand, the complement: MLH3 is on the minus strand). VCF-style: chr14-75018885-C-T. GRCh37 (hg19) VCF-style: chr14-75485588-C-T.
Other names: c.4114G>A, p.Gly1372Arg (NM_014381.3); short protein forms G1396R, G1372R.
Identifiers: ClinVar variation 3637915 (VCV003637915.4).